The following is an entry in ClinVar:

NM_001036.6(RYR3):c.4490C>A (p.Pro1497His)

Gene: RYR3 (ryanodine receptor 3; plus strand). Cytogenetic location: 15q14.
Variant type: single nucleotide variant.
Coding change: c.4490C>A on transcript NM_001036.6 (MANE Select); coding-DNA position 4490, C replaced by A.
Protein change: p.Pro1497His; replaces proline 1497 with histidine.
Molecular consequence: missense variant.
Genome position (GRCh38, 1-based): chr15:33,660,291, C>A. VCF-style: chr15-33660291-C-A. GRCh37 (hg19) VCF-style: chr15-33952492-C-A.
Other names: c.4490C>A, p.Pro1497His (NM_001243996.4); short protein forms P1497H.
Identifiers: ClinVar variation 2628651 (VCV002628651.1), dbSNP rs756165310, ClinGen allele CA7459022.

ClinVar aggregate classification (germline): Uncertain significance (1 of 4 stars; one submission).

Conditions:
RYR3-related disorder. Also called: RYR3-related condition.

Submission:

PreventionGenetics, part of Exact Sciences
Classification: Uncertain significance for RYR3-related condition. Last evaluated: 2023-03-20. Review status: criteria provided, single submitter. Criteria: ACMG Guidelines, 2015. Collection method: clinical testing. Allele origin: germline.
Comment: The RYR3 c.4490C>A variant is predicted to result in the amino acid substitution p.Pro1497His. To our knowledge, this variant has not been reported in the literature or in a large population database, indicating this variant is rare. At this time, the clinical significance of this variant is uncertain due to the absence of conclusive functional and genetic evidence.